The following is an entry in ClinVar:

ClinVar aggregate classification (germline): Likely benign. Review status: criteria provided, single submitter (1 of 4 stars). 2 submissions from 2 submitters: Likely benign (1). 1 of the submissions does not count toward it. Last evaluated 2024-01-26.

Conditions:
FITM2-related disorder. Also called: FITM2-related condition.

Allele frequency attached by ClinVar (database versions not stated): gnomAD exomes 0.00100; gnomAD 0.00134; TOPMed 0.00197; ExAC 0.00540; 1000 Genomes Project 30x 0.00656; 1000 Genomes Project 0.00759.
gnomAD v4.1: 1,628 of 1,592,680 alleles (0.1%); highest among the groups gnomAD compares: East Asian, 3.6%; 24 homozygotes.

Submissions (2):

GeneDx
Classification: Likely benign. Last evaluated: 2024-01-26. Review status: criteria provided, single submitter. Criteria: GeneDx Variant Classification Process June 2021. Collection method: clinical testing. Allele origin: germline. Affected: yes.
Comment: See Variant Classification Assertion Criteria.

PreventionGenetics, part of Exact Sciences
Classification: Benign for FITM2-related condition. Last evaluated: 2019-08-09. Review status: no assertion criteria provided. Collection method: clinical testing. Allele origin: germline. Not counted in ClinVar's aggregate classification.
Comment: This variant is classified as benign based on ACMG/AMP sequence variant interpretation guidelines (Richards et al. 2015 PMID: 25741868, with internal and published modifications).

NM_001080472.4(FITM2):c.116A>G (p.Lys39Arg)

Gene: FITM2 (fat storage inducing transmembrane protein 2; minus strand). Cytogenetic location: 20q13.12.
Variant type: single nucleotide variant.
Coding change: c.116A>G on transcript NM_001080472.4 (MANE Select); coding-DNA position 116, A replaced by G.
Protein change: p.Lys39Arg; replaces lysine 39 with arginine.
Molecular consequence: missense variant.
Genome position (GRCh38, 1-based): chr20:44,311,033, T>C on the plus strand (A>G on the coding strand, the complement: FITM2 is on the minus strand). VCF-style: chr20-44311033-T-C. GRCh37 (hg19) VCF-style: chr20-42939673-T-C.
Other names: c.116A>G (NM_001080472.2); short protein forms K39R.
Identifiers: ClinVar variation 3034887 (VCV003034887.2), dbSNP rs117858854, ClinGen allele CA9869662.